The following is an entry in ClinVar:

ClinVar aggregate classification (germline): Likely benign (1 of 4 stars; one submission).

Conditions:
Neuroblastoma, susceptibility to, 3. Also called: ALK-Related Neuroblastic Tumor Susceptibility. Identifiers: Orphanet 635, MedGen C2751681, MONDO:0013083, OMIM 613014.

Allele frequency attached by ClinVar (database versions not stated): gnomAD 0.00003 and 0.00005; TOPMed 0.00003; gnomAD exomes 0.00005 and 0.00008; ExAC 0.00026.
gnomAD v4.1: 79 of 1,517,616 alleles (0.0052%); highest among the groups gnomAD compares: South Asian, 0.046%; 1 homozygote.

Submission:

Illumina Laboratory Services, Illumina
Classification: Likely benign for Neuroblastoma, susceptibility to, 3. Last evaluated: 2018-01-12. Review status: criteria provided, single submitter. Criteria: ICSL Variant Classification Criteria 13 December 2019. Collection method: clinical testing. Allele origin: germline.
Comment: This variant was observed in the ICSL laboratory as part of a predisposition screen in an ostensibly healthy population. It had not been previously curated by ICSL or reported in the Human Gene Mutation Database (HGMD: prior to June 1st, 2018), and was therefore a candidate for classification through an automated scoring system. Utilizing variant allele frequency, disease prevalence and penetrance estimates, and inheritance mode, an automated score was calculated to assess if this variant is too frequent to cause the disease. Based on the score and internal cut-off values, a variant classified as likely benign is not then subjected to further curation. The score for this variant resulted in a classification of likely benign for this disease.

NM_004304.5(ALK):c.-32G>A

Gene: ALK (ALK receptor tyrosine kinase; minus strand). Cytogenetic location: 2p23.1.
Variant type: single nucleotide variant.
Coding change: c.-32G>A on transcript NM_004304.5 (MANE Select); 32 bases upstream of the start codon, G replaced by A.
Molecular consequence: 5 prime UTR variant.
Genome position (GRCh38, 1-based): chr2:29,920,691, C>T on the plus strand (G>A on the coding strand, the complement: ALK is on the minus strand). VCF-style: chr2-29920691-C-T. GRCh37 (hg19) VCF-style: chr2-30143557-C-T.
Identifiers: ClinVar variation 896718 (VCV000896718.4), dbSNP rs771429852, ClinGen allele CA1595082.
Genomic context (GRCh38, chr2:29,920,691, plus strand): 5'-AGGAGCCACAGGAGCCCGATGGCTCCCATCCCGCCGGAGGAGGCCGTTTACACTGCTCTC[C>T]GGGCCCAGCCTCACCCTTCGCTCTCCCCGAGATGGGAAGAGGCTCTGAACAGTCCTTGGT-3'